The following is an entry in ClinVar:

ClinVar aggregate classification (germline): Uncertain significance (1 of 4 stars; one submission).

Allele frequency attached by ClinVar (database versions not stated): gnomAD exomes below 0.00001.

Submission:

Labcorp Genetics (formerly Invitae), Labcorp
Classification: Uncertain significance. Last evaluated: 2023-02-20. Review status: criteria provided, single submitter. Criteria: Invitae Variant Classification Sherloc (09022015). Collection method: clinical testing. Allele origin: germline.
Comment: This variant is present in population databases (no rsID available, gnomAD 0.0009%). In summary, the available evidence is currently insufficient to determine the role of this variant in disease. Therefore, it has been classified as a Variant of Uncertain Significance. Algorithms developed to predict the effect of sequence changes on RNA splicing suggest that this variant may disrupt the consensus splice site. This variant has not been reported in the literature in individuals affected with CARMIL2-related conditions. This sequence change falls in intron 25 of the CARMIL2 gene. It does not directly change the encoded amino acid sequence of the CARMIL2 protein.

NM_001013838.3(CARMIL2):c.2589-6C>G

Gene: CARMIL2 (capping protein regulator and myosin 1 linker 2; plus strand). Cytogenetic location: 16q22.1.
Variant type: single nucleotide variant.
Coding change: c.2589-6C>G on transcript NM_001013838.3 (MANE Select); 6 bases into the intron before coding-DNA position 2589, C replaced by G.
Molecular consequence: intron variant.
Genome position (GRCh38, 1-based): chr16:67,651,915, C>G. VCF-style: chr16-67651915-C-G. GRCh37 (hg19) VCF-style: chr16-67685818-C-G.
Other names: c.2481-6C>G (NM_001317026.3).
Identifiers: ClinVar variation 1967297 (VCV001967297.5), dbSNP rs1020236109, ClinGen allele CA623120733.